The following is an entry in ClinVar:

NM_000051.4(ATM):c.816_829dup (p.Glu277delinsValIleLeuTer)

Gene: ATM (ATM serine/threonine kinase; plus strand). Cytogenetic location: 11q22.3.
Variant type: Duplication.
Coding change: c.816_829dup on transcript NM_000051.4 (MANE Select); coding-DNA positions 816 to 829, 14 bases duplicated (TGATTCTTTAAAAG).
Protein change: p.Glu277delinsValIleLeuTer.
Molecular consequence: nonsense. On other transcripts: frameshift variant (1).
Genome position (GRCh38, 1-based): chr11:108,244,941-108,244,954, TGATTCTTTAAAAG duplicated. VCF-style (leftmost placement, unchanged base first): chr11-108244940-A-ATGATTCTTTAAAAG. GRCh37 (hg19) VCF-style: chr11-108115667-A-ATGATTCTTTAAAAG.
Other names: c.816_829dup, p.Glu277delinsValIleLeuTer (NM_001351834.2); c.816_829dupTGATTCTTTAAAAG (NM_000051.3).
Identifiers: ClinVar variation 1762227 (VCV001762227.2), dbSNP rs2497152298, ClinGen allele CA2580082945.

ClinVar aggregate classification (germline): Pathogenic (1 of 4 stars; one submission).

Conditions:
Hereditary cancer-predisposing syndrome. Also called: Neoplastic Syndromes, Hereditary; Tumor predisposition; Hereditary Cancer Syndrome; Hereditary neoplastic syndrome. Identifiers: Orphanet 140162, MedGen C0027672, MeSH D009386, MONDO:0015356.

Submission:

Ambry Genetics
Classification: Pathogenic for Hereditary cancer-predisposing syndrome. Last evaluated: 2021-10-05. Review status: criteria provided, single submitter. Criteria: Ambry Variant Classification Scheme 2023. Collection method: clinical testing. Allele origin: germline.
Comment: The c.816_829dup14 variant, located in coding exon 6 of the ATM gene, results from a duplication of TGATTCTTTAAAAG at nucleotide position 816, causing a translational frameshift with a predicted alternate stop codon (p.E277Vfs*4). This variant is considered to be rare based on population cohorts in the Genome Aggregation Database (gnomAD). This alteration is expected to result in loss of function by premature protein truncation or nonsense-mediated mRNA decay. As such, this alteration is interpreted as a disease-causing mutation.